The following is an entry in ClinVar:

NM_001130004.2(ACTN1):c.1683C>T (p.Ala561=)

Gene: ACTN1 (actinin alpha 1; minus strand). Cytogenetic location: 14q24.1.
Variant type: single nucleotide variant.
Coding change: c.1683C>T on transcript NM_001130004.2 (MANE Select); coding-DNA position 1683, C replaced by T.
Protein change: p.Ala561=; no amino-acid change (alanine 561 retained).
Molecular consequence: synonymous variant.
Genome position (GRCh38, 1-based): chr14:68,883,008, G>A on the plus strand (C>T on the coding strand, the complement: ACTN1 is on the minus strand). VCF-style: chr14-68883008-G-A. GRCh37 (hg19) VCF-style: chr14-69349725-G-A.
Other names: c.1683C>T, p.Ala561= (NM_001102.4, NM_001130005.2).
Identifiers: ClinVar variation 732999 (VCV000732999.25), dbSNP rs116455820, ClinGen allele CA7242300.

ClinVar aggregate classification (germline): Benign/Likely benign. Review status: criteria provided, multiple submitters, no conflicts (2 of 4 stars). 4 submissions from 4 submitters: Benign (1); Likely benign (2). 1 of the submissions does not count toward it. Last evaluated 2026-01-02.

Conditions:
ACTN1-related disorder. Also called: ACTN1-related condition.

Allele frequency attached by ClinVar (database versions not stated): gnomAD exomes 0.00027; ExAC 0.00031; 1000 Genomes Project 0.00060; 1000 Genomes Project 30x 0.00094; gnomAD 0.00104 and 0.00112; TOPMed 0.00113; ESP Exome Variant Server 0.00161.
gnomAD v4.1: 304 of 1,614,146 alleles (0.019%); highest among the groups gnomAD compares: African/African-American, 0.32%; no homozygotes.

Submissions (4):

Labcorp Genetics (formerly Invitae), Labcorp
Classification: Benign. Last evaluated: 2026-01-02. Review status: criteria provided, single submitter. Criteria: Invitae Variant Classification Sherloc (09022015). Collection method: clinical testing. Allele origin: germline.

Blueprint Genetics
Classification: Likely benign. Last evaluated: 2024-11-11. Review status: criteria provided, single submitter. Criteria: ACMG Guidelines, 2015. Collection method: clinical testing. Allele origin: germline.

CeGaT Center for Human Genetics Tuebingen
Classification: Likely benign. Last evaluated: 2024-11-01. Review status: criteria provided, single submitter. Criteria: CeGaT Center For Human Genetics Tuebingen Variant Classification Criteria Version 2. Collection method: clinical testing. Allele origin: germline. Affected: yes. Observed: 1 variant allele.
Comment: ACTN1: BP4, BP7

PreventionGenetics, part of Exact Sciences
Classification: Likely benign for ACTN1-related condition. Last evaluated: 2019-03-12. Review status: no assertion criteria provided. Collection method: clinical testing. Allele origin: germline. Not counted in ClinVar's aggregate classification.
Comment: This variant is classified as likely benign based on ACMG/AMP sequence variant interpretation guidelines (Richards et al. 2015 PMID: 25741868, with internal and published modifications).